The following is an entry in ClinVar:

ClinVar aggregate classification (germline): Likely pathogenic. Review status: criteria provided, multiple submitters, no conflicts (2 of 4 stars). 2 submissions from 2 submitters: Likely pathogenic (2). Last evaluated 2022-11-18.

Conditions:
FREM2-related disorder. Also called: FREM2-related condition.
FREM2-related disorders.

gnomAD v4.1: 1 of 1,613,362 alleles (0.000062%); no homozygotes.

Submissions (2):

PreventionGenetics, part of Exact Sciences
Classification: Likely pathogenic for FREM2-related condition. Last evaluated: 2022-11-18. Review status: criteria provided, single submitter. Criteria: ACMG Guidelines, 2015. Collection method: clinical testing. Allele origin: germline.
Comment: The FREM2 c.6925+1G>T variant is predicted to disrupt the GT donor site and interfere with normal splicing. To our knowledge, this variant has not been reported in the literature or in a large population database, indicating this variant is rare. Variants that disrupt the consensus splice donor site in FREM2 are expected to be pathogenic. This variant is interpreted as likely pathogenic.

Blueprint Genetics
Classification: Likely pathogenic for FREM2-related disorders. Last evaluated: 2022-03-01. Review status: criteria provided, single submitter. Criteria: ACMG Guidelines, 2015. Collection method: clinical testing. Allele origin: germline. Affected: yes. Observed: 1 variant allele.

NM_207361.6(FREM2):c.6925+1G>T

Gene: FREM2 (FRAS1 related extracellular matrix 2; plus strand). Cytogenetic location: 13q13.3.
Variant type: single nucleotide variant.
Coding change: c.6925+1G>T on transcript NM_207361.6 (MANE Select); the canonical splice donor site of the intron after coding-DNA position 6925, G replaced by T.
Molecular consequence: splice donor variant.
Genome position (GRCh38, 1-based): chr13:38,851,869, G>T. VCF-style: chr13-38851869-G-T. GRCh37 (hg19) VCF-style: chr13-39426006-G-T.
Identifiers: ClinVar variation 2628494 (VCV002628494.2), dbSNP rs2541489672, ClinGen allele CA387897360.